The following is an entry in ClinVar:

NM_014714.4(IFT140):c.2951A>G (p.His984Arg)

Genes: IFT140 (intraflagellar transport 140; minus strand), LOC126862260 (CDK7 strongly-dependent group 2 enhancer GRCh37_chr16:1574508-1575707; plus strand). Cytogenetic location: 16p13.3.
Variant type: single nucleotide variant.
Coding change: c.2951A>G on transcript NM_014714.4 (MANE Select); coding-DNA position 2951, A replaced by G.
Protein change: p.His984Arg; replaces histidine 984 with arginine.
Molecular consequence: missense variant.
Genome position (GRCh38, 1-based): chr16:1,524,830, T>C on the plus strand (A>G on the coding strand, the complement: IFT140 is on the minus strand). VCF-style: chr16-1524830-T-C. GRCh37 (hg19) VCF-style: chr16-1574831-T-C.
Other names: short protein forms H984R.
Identifiers: ClinVar variation 1464073 (VCV001464073.6), dbSNP rs2141172218, ClinGen allele CA394226350.

ClinVar aggregate classification (germline): Uncertain significance (1 of 4 stars; one submission).

Conditions:
Saldino-Mainzer syndrome (SRTD9). Also called: Renal dysplasia, retinal pigmentary dystrophy, cerebellar ataxia and skeletal dysplasia; CONORENAL SYNDROME; SHORT-RIB THORACIC DYSPLASIA 9 WITHOUT POLYDACTYLY; short-rib thoracic dysplasia 9 with or without polydactyly. Identifiers: Orphanet 140969, MedGen C1849437, MONDO:0009964, OMIM 266920.

Allele frequency attached by ClinVar (database versions not stated): gnomAD exomes below 0.00001.

Submission:

Labcorp Genetics (formerly Invitae), Labcorp
Classification: Uncertain significance for Saldino-Mainzer syndrome. Last evaluated: 2021-09-17. Review status: criteria provided, single submitter. Criteria: Invitae Variant Classification Sherloc (09022015). Collection method: clinical testing. Allele origin: germline.
Comment: In summary, the available evidence is currently insufficient to determine the role of this variant in disease. Therefore, it has been classified as a Variant of Uncertain Significance. Algorithms developed to predict the effect of missense changes on protein structure and function are either unavailable or do not agree on the potential impact of this missense change (SIFT: "Deleterious"; PolyPhen-2: "Benign"; Align-GVGD: "Class C0"). This variant has not been reported in the literature in individuals affected with IFT140-related conditions. This variant is not present in population databases (ExAC no frequency). This sequence change replaces histidine with arginine at codon 984 of the IFT140 protein (p.His984Arg). The histidine residue is weakly conserved and there is a small physicochemical difference between histidine and arginine.